The following is an entry in ClinVar:

ClinVar aggregate classification (germline): Uncertain significance. Review status: criteria provided, multiple submitters, no conflicts (2 of 4 stars). 4 submissions from 4 submitters: Uncertain significance (4). Last evaluated 2025-12-08.

Conditions:
Inborn genetic diseases. Identifiers: MedGen C0950123, MeSH D030342.
Neuropathy, hereditary sensory, type 2C. Also called: Hereditary sensory and autonomic neuropathy type IIC; KIF1A-Related HSAN2 (HSAN2C). Identifiers: Orphanet 970, MedGen C3280168, MONDO:0013634, OMIM 614213.
Intellectual disability, autosomal dominant 9 (NESCAVS). Also called: KIF1A-Related Neurodevelopmental Disorder; NESCAV SYNDROME. Identifiers: Orphanet 662367, MedGen C5393830, MONDO:0013656, OMIM 614255.
Hereditary spastic paraplegia 30. Identifiers: Orphanet 101010, MedGen C5235139, MONDO:0012476.

Allele frequency attached by ClinVar (database versions not stated): ExAC 0.00004; gnomAD 0.00004; TOPMed 0.00004; ESP Exome Variant Server 0.00016.
gnomAD v4.1: 135 of 1,608,386 alleles (0.0084%); highest among the groups gnomAD compares: Non-Finnish European, 0.0094%; no homozygotes.

Submissions (4):

GeneDx
Classification: Uncertain significance. Last evaluated: 2025-12-08. Review status: criteria provided, single submitter. Criteria: GeneDx Variant Classification Process June 2021. Collection method: clinical testing. Allele origin: germline. Affected: yes.
Comment: Has not been previously published as pathogenic or benign to our knowledge; In silico analysis suggests this variant may impact gene splicing. In the absence of RNA/functional studies, the actual effect of this sequence change is unknown.

Labcorp Genetics (formerly Invitae), Labcorp
Classification: Uncertain significance for Hereditary spastic paraplegia 30; Neuropathy, hereditary sensory, type 2C; Intellectual disability, autosomal dominant 9. Last evaluated: 2025-11-27. Review status: criteria provided, single submitter. Criteria: Invitae Variant Classification Sherloc (09022015). Collection method: clinical testing. Allele origin: germline.
Comment: This sequence change falls in intron 25 of the KIF1A gene. It does not directly change the encoded amino acid sequence of the KIF1A protein. It affects a nucleotide within the consensus splice site. This variant is present in population databases (rs200583714, gnomAD 0.03%). This variant has not been reported in the literature in individuals affected with KIF1A-related conditions. ClinVar contains an entry for this variant (Variation ID: 532866). Variants that disrupt the consensus splice site are a relatively common cause of aberrant splicing (PMID: 17576681, 9536098). Algorithms developed to predict the effect of sequence changes on RNA splicing suggest that this variant is not likely to affect RNA splicing. In summary, the available evidence is currently insufficient to determine the role of this variant in disease. Therefore, it has been classified as a Variant of Uncertain Significance.

Blueprint Genetics
Classification: Uncertain significance. Last evaluated: 2023-12-20. Review status: criteria provided, single submitter. Criteria: ACMG Guidelines, 2015. Collection method: clinical testing. Allele origin: germline.

Ambry Genetics
Classification: Uncertain significance for Inborn genetic diseases. Last evaluated: 2021-09-19. Review status: criteria provided, single submitter. Criteria: Ambry Variant Classification Scheme 2023. Collection method: clinical testing. Allele origin: germline.
Comment: The c.2674+5G>A intronic alteration consists of a G to A substitution nucleotides after coding exon 25 in the KIF1A gene. Based on insufficient or conflicting evidence, the clinical significance of this alteration remains unclear.

Literature cited by the submitters: PubMed 17576681 (cited by Labcorp Genetics (formerly Invitae), Labcorp); PubMed 9536098 (cited by Labcorp Genetics (formerly Invitae), Labcorp).

NM_001244008.2(KIF1A):c.2977+5G>A

Gene: KIF1A (kinesin family member 1A; minus strand). Cytogenetic location: 2q37.3.
Variant type: single nucleotide variant.
Coding change: c.2977+5G>A on transcript NM_001244008.2 (MANE Select); 5 bases into the intron after coding-DNA position 2977, G replaced by A.
Molecular consequence: intron variant.
Genome position (GRCh38, 1-based): chr2:240,750,424, C>T on the plus strand (G>A on the coding strand, the complement: KIF1A is on the minus strand). VCF-style: chr2-240750424-C-T. GRCh37 (hg19) VCF-style: chr2-241689841-C-T.
Other names: c.2674+5G>A (NM_004321.5, NM_001379653.1, NM_001379650.1 and 7 more transcripts); c.2950+5G>A (NM_001379645.1, NM_001379633.1, NM_001379642.1); c.2776+5G>A (NM_001379635.1, NM_001330290.2, NM_001379646.1 and 1 more transcripts); c.2926+5G>A (NM_001379632.1); c.2749+5G>A (NM_001379637.1, NM_001379648.1); c.2701+5G>A (NM_001320705.2, NM_001379638.1, NM_001330289.2); c.3052+5G>A (NM_001379631.1).
Identifiers: ClinVar variation 532866 (VCV000532866.12), dbSNP rs200583714, ClinGen allele CA2207970.
Genomic context (GRCh38, chr2:240,750,424, plus strand): 5'-CCTGCAAAGGTCAGAGCCAGCCCCAGGGGCTCCAATGCCACACACGGCCTTTGGCCCACA[C>T]GCACCTGAGATGGCCTGGACGGCCACGCGGAGGAAGCCCTTCACCTCGCCCTTCTCGCTG-3'